The following is an entry in ClinVar:

NM_001110556.2(FLNA):c.5659A>G (p.Thr1887Ala)

Gene: FLNA (filamin A; minus strand). Cytogenetic location: Xq28.
Variant type: single nucleotide variant.
Coding change: c.5659A>G on transcript NM_001110556.2 (MANE Select); coding-DNA position 5659, A replaced by G.
Protein change: p.Thr1887Ala; replaces threonine 1887 with alanine.
Molecular consequence: missense variant.
Genome position (GRCh38, 1-based): chrX:154,353,942, T>C on the plus strand (A>G on the coding strand, the complement: FLNA is on the minus strand). VCF-style: chrX-154353942-T-C. GRCh37 (hg19) VCF-style: chrX-153582310-T-C.
Other names: c.5635A>G, p.Thr1879Ala (NM_001456.4); short protein forms T1879A, T1887A.
Identifiers: ClinVar variation 264261 (VCV000264261.15), dbSNP rs886039107, ClinGen allele CA10587966.
Genomic context (GRCh38, chrX:154,353,942, plus strand): 5'-ACAGAGCAGGTCAAGACCAGAGCTATTGCTCACCCTCTCCTGCATCCTTGGTGTTGACGG[T>C]GAAGGTGGCAGGCTTGTTCACTACTCCATGGGTGAGGCCAGGCCCATAGGCAGTGACATG-3'
Protein context (NP_001104026.1, residues 1877-1897): HGVVNKPATF[Thr1887Ala]VNTKDAGEGG

ClinVar aggregate classification (germline): Uncertain significance. Review status: criteria provided, multiple submitters, no conflicts (2 of 4 stars). 3 submissions from 3 submitters: Uncertain significance (3). Last evaluated 2025-04-29.

Conditions:
Familial thoracic aortic aneurysm and aortic dissection (TAAD). Also called: Thoracic aortic aneurysms and dissections. Identifiers: Orphanet 91387, MedGen C4707243, MONDO:0019625.
Melnick-Needles syndrome (MNS). Also called: Melnick-Needles Syndrome (FLNA-MNS); MELNICK-NEEDLES OSTEODYSPLASTY; OSTEODYSPLASTY OF MELNICK AND NEEDLES. Identifiers: Orphanet 2484, MedGen C0025237, MONDO:0010650, OMIM 309350.
Frontometaphyseal dysplasia (FMD1). Identifiers: Orphanet 1826, MedGen C0265293, MONDO:0015942.
Heterotopia, periventricular, X-linked dominant (PVNH1). Also called: X-linked periventricular heterotopia; PERIVENTRICULAR NODULAR HETEROTOPIA 4; HETEROTOPIA, PERIVENTRICULAR, 1; PERIVENTRICULAR NODULAR HETEROTOPIA 1. Identifiers: Orphanet 2149, Orphanet 82004, MedGen C1848213, MONDO:0010233, OMIM 300049.
Oto-palato-digital syndrome, type II (OPD2). Also called: Otopalatodigital Syndrome Type 2 (FLNA-OPD2); FACIOPALATOOSSEOUS SYNDROME; OPD II SYNDROME; Otopalatodigital Syndrome, Type II. Identifiers: Orphanet 669, Orphanet 90652, MedGen C1844696, MONDO:0010571, OMIM 304120.

Allele frequency attached by ClinVar (database versions not stated): gnomAD exomes 0.00002.
gnomAD v4.1: 14 of 1,211,981 alleles (0.0012%); highest among the groups gnomAD compares: Non-Finnish European, 0.0016%; no homozygotes.

Submissions (3):

Women's Health and Genetics/Laboratory Corporation of America, LabCorp
Classification: Uncertain significance. Last evaluated: 2025-04-29. Review status: criteria provided, single submitter. Criteria: LabCorp Variant Classification Summary - May 2015. Collection method: clinical testing. Allele origin: germline.

Labcorp Genetics (formerly Invitae), Labcorp
Classification: Uncertain significance for Oto-palato-digital syndrome, type II; Heterotopia, periventricular, X-linked dominant; Frontometaphyseal dysplasia; Melnick-Needles syndrome. Last evaluated: 2023-10-09. Review status: criteria provided, single submitter. Criteria: Invitae Variant Classification Sherloc (09022015). Collection method: clinical testing. Allele origin: germline.
Comment: This sequence change replaces threonine, which is neutral and polar, with alanine, which is neutral and non-polar, at codon 1879 of the FLNA protein (p.Thr1879Ala). This variant is not present in population databases (gnomAD no frequency). This variant has not been reported in the literature in individuals affected with FLNA-related conditions. ClinVar contains an entry for this variant (Variation ID: 264261). Advanced modeling of protein sequence and biophysical properties (such as structural, functional, and spatial information, amino acid conservation, physicochemical variation, residue mobility, and thermodynamic stability) performed at Invitae indicates that this missense variant is not expected to disrupt FLNA protein function. In summary, the available evidence is currently insufficient to determine the role of this variant in disease. Therefore, it has been classified as a Variant of Uncertain Significance.

Ambry Genetics
Classification: Uncertain significance for Familial thoracic aortic aneurysm and aortic dissection. Last evaluated: 2020-04-23. Review status: criteria provided, single submitter. Criteria: Ambry Variant Classification Scheme 2023. Collection method: clinical testing. Allele origin: germline.